The following is an entry in ClinVar:

NM_003803.4(MYOM1):c.3760A>G (p.Ile1254Val)

Gene: MYOM1 (myomesin 1; minus strand). Cytogenetic location: 18p11.31.
Variant type: single nucleotide variant.
Coding change: c.3760A>G on transcript NM_003803.4 (MANE Select); coding-DNA position 3760, A replaced by G.
Protein change: p.Ile1254Val; replaces isoleucine 1254 with valine.
Molecular consequence: missense variant.
Genome position (GRCh38, 1-based): chr18:3,094,274, T>C on the plus strand (A>G on the coding strand, the complement: MYOM1 is on the minus strand). VCF-style: chr18-3094274-T-C. GRCh37 (hg19) VCF-style: chr18-3094272-T-C.
Other names: c.3472A>G, p.Ile1158Val (NM_019856.2); short protein forms I1254V, I1158V.
Identifiers: ClinVar variation 1734673 (VCV001734673.2), dbSNP rs2510522596, ClinGen allele CA401713494.

ClinVar aggregate classification (germline): Uncertain significance (1 of 4 stars; one submission).

Submission:

Ambry Genetics
Classification: Uncertain significance. Last evaluated: 2022-08-01. Review status: criteria provided, single submitter. Criteria: Ambry Variant Classification Scheme 2023. Collection method: clinical testing. Allele origin: germline.
Comment: The p.I1254V variant (also known as c.3760A>G), located in coding exon 25 of the MYOM1 gene, results from an A to G substitution at nucleotide position 3760. The isoleucine at codon 1254 is replaced by valine, an amino acid with highly similar properties. This amino acid position is conserved. In addition, this alteration is predicted to be tolerated by in silico analysis. Since supporting evidence is limited at this time, the clinical significance of this alteration remains unclear.